The following is an entry in ClinVar:

NM_000066.4(C8B):c.770G>A (p.Gly257Asp)

Gene: C8B (complement C8 beta chain; minus strand). Cytogenetic location: 1p32.2.
Variant type: single nucleotide variant.
Coding change: c.770G>A on transcript NM_000066.4 (MANE Select); coding-DNA position 770, G replaced by A.
Protein change: p.Gly257Asp; replaces glycine 257 with aspartic acid.
Molecular consequence: missense variant.
Genome position (GRCh38, 1-based): chr1:56,949,649, C>T on the plus strand (G>A on the coding strand, the complement: C8B is on the minus strand). VCF-style: chr1-56949649-C-T. GRCh37 (hg19) VCF-style: chr1-57415322-C-T.
Other names: c.614G>A, p.Gly205Asp (NM_001278543.2); c.584G>A, p.Gly195Asp (NM_001278544.2); short protein forms G205D, G195D, G257D.
Identifiers: ClinVar variation 1910653 (VCV001910653.4), dbSNP rs745306502, ClinGen allele CA875862.

ClinVar aggregate classification (germline): Uncertain significance. Review status: criteria provided, multiple submitters, no conflicts (2 of 4 stars). 2 submissions from 2 submitters: Uncertain significance (2). Last evaluated 2025-12-15.

Conditions:
Inborn genetic diseases. Identifiers: MedGen C0950123, MeSH D030342.

Allele frequency attached by ClinVar (database versions not stated): gnomAD exomes below 0.00001; ExAC 0.00001; gnomAD 0.00001; TOPMed 0.00002.
gnomAD v4.1: 7 of 1,613,902 alleles (0.00043%); highest among the groups gnomAD compares: Admixed American, 0.0067%; no homozygotes.

Submissions (2):

Ambry Genetics
Classification: Uncertain significance for Inborn genetic diseases. Last evaluated: 2025-12-15. Review status: criteria provided, single submitter. Criteria: Ambry Variant Classification Scheme 2023. Collection method: clinical testing. Allele origin: germline.

Labcorp Genetics (formerly Invitae), Labcorp
Classification: Uncertain significance. Last evaluated: 2023-10-03. Review status: criteria provided, single submitter. Criteria: Invitae Variant Classification Sherloc (09022015). Collection method: clinical testing. Allele origin: germline.
Comment: This sequence change replaces glycine, which is neutral and non-polar, with aspartic acid, which is acidic and polar, at codon 257 of the C8B protein (p.Gly257Asp). This variant is present in population databases (rs745306502, gnomAD 0.003%). This variant has not been reported in the literature in individuals affected with C8B-related conditions. ClinVar contains an entry for this variant (Variation ID: 1910653). Algorithms developed to predict the effect of missense changes on protein structure and function output the following: SIFT: "Not Available"; PolyPhen-2: "Benign"; Align-GVGD: "Not Available". The aspartic acid amino acid residue is found in multiple mammalian species, which suggests that this missense change does not adversely affect protein function. In summary, the available evidence is currently insufficient to determine the role of this variant in disease. Therefore, it has been classified as a Variant of Uncertain Significance.